The following is an entry in ClinVar:

ClinVar aggregate classification (germline): Uncertain significance. Review status: criteria provided, multiple submitters, no conflicts (2 of 4 stars). 2 submissions from 2 submitters: Uncertain significance (2). Last evaluated 2025-08-12.

Allele frequency attached by ClinVar (database versions not stated): gnomAD 0.00001; TOPMed 0.00004.
gnomAD v4.1: 3 of 1,596,038 alleles (0.00019%); highest among the groups gnomAD compares: Admixed American, 0.0017%; no homozygotes.

Submissions (2):

Ambry Genetics
Classification: Uncertain significance. Last evaluated: 2025-08-12. Review status: criteria provided, single submitter. Criteria: Ambry Variant Classification Scheme 2023. Collection method: clinical testing. Allele origin: germline.

GeneDx
Classification: Uncertain significance. Last evaluated: 2017-09-27. Review status: criteria provided, single submitter. Criteria: GeneDx Variant Classification (06012015). Collection method: clinical testing. Allele origin: germline. Affected: yes.
Comment: The L528F variant has not been published as a pathogenic variant, nor has it been reported as a benign variant to our knowledge. The L528F variant is not observed in large population cohorts (Lek et al., 2016). This substitution occurs at a position that is conserved in mammals. However, the L528F variant is a conservative amino acid substitution, which is not likely to impact secondary protein structure as these residues share similar properties. In silico analysis is inconsistent in its predictions as to whether or not the variant is damaging to the protein structure/function. Therefore, based on the currently available information, it is unclear whether this variant is a pathogenic variant or a rare benign variant.

NM_004933.3(CDH15):c.1582C>T (p.Leu528Phe)

Gene: CDH15 (cadherin 15; plus strand). Cytogenetic location: 16q24.3.
Variant type: single nucleotide variant.
Coding change: c.1582C>T on transcript NM_004933.3 (MANE Select); coding-DNA position 1582, C replaced by T.
Protein change: p.Leu528Phe; replaces leucine 528 with phenylalanine.
Molecular consequence: missense variant.
Genome position (GRCh38, 1-based): chr16:89,191,861, C>T. VCF-style: chr16-89191861-C-T. GRCh37 (hg19) VCF-style: chr16-89258269-C-T.
Other names: short protein forms L528F.
Identifiers: ClinVar variation 452290 (VCV000452290.3), dbSNP rs1312486049, ClinGen allele CA397140963.